The following is an entry in ClinVar:

NM_000038.6(APC):c.6754C>T (p.Pro2252Ser)

Gene: APC (APC regulator of Wnt signaling pathway; plus strand). Cytogenetic location: 5q22.2.
Variant type: single nucleotide variant.
Coding change: c.6754C>T on transcript NM_000038.6 (MANE Select); coding-DNA position 6754, C replaced by T.
Protein change: p.Pro2252Ser; replaces proline 2252 with serine.
Molecular consequence: missense variant.
Genome position (GRCh38, 1-based): chr5:112,842,348, C>T. VCF-style: chr5-112842348-C-T. GRCh37 (hg19) VCF-style: chr5-112178045-C-T.
Other names: c.6754C>T, p.Pro2252Ser (NM_001127510.3, NM_001354895.2); c.6700C>T, p.Pro2234Ser (NM_001127511.3); c.6808C>T, p.Pro2270Ser (NM_001354896.2); c.6784C>T, p.Pro2262Ser (NM_001354897.2); c.6679C>T, p.Pro2227Ser (NM_001354898.2); c.6670C>T, p.Pro2224Ser (NM_001354899.2); c.6631C>T, p.Pro2211Ser (NM_001354900.2); c.6577C>T, p.Pro2193Ser (NM_001354901.2); and 5 more; short protein forms P2151S, P2211S, P2234S, P2252S, P2270S, P1969S, P2262S, P2161S.
Identifiers: ClinVar variation 826601 (VCV000826601.7), dbSNP rs587778035, ClinGen allele CA16036089.
Genomic context (GRCh38, chr5:112,842,348, plus strand): 5'-CATATTCCAGGAGTTCGAAATAGCTCCTCAAGTACAAGTCCTGTTTCTAAAAAAGGCCCA[C>T]CCCTTAAGACTCCAGCCTCCAAAAGCCCTAGTGAAGGTCAAACAGCCACCACTTCTCCTA-3'
Protein context (NP_000029.2, residues 2242-2262): STSPVSKKGP[Pro2252Ser]LKTPASKSPS

ClinVar aggregate classification (germline): Uncertain significance. Review status: criteria provided, multiple submitters, no conflicts (2 of 4 stars). 2 submissions from 2 submitters: Uncertain significance (2). Last evaluated 2024-02-28.

Conditions:
Hereditary cancer-predisposing syndrome. Also called: Neoplastic Syndromes, Hereditary; Tumor predisposition; Hereditary neoplastic syndrome; Hereditary Cancer Syndrome. Identifiers: Orphanet 140162, MedGen C0027672, MeSH D009386, MONDO:0015356.
Familial adenomatous polyposis 1 (FAP1). Also called: POLYPOSIS, ADENOMATOUS INTESTINAL; FAMILIAL ADENOMATOUS POLYPOSIS 1, ATTENUATED. Identifiers: MedGen C2713442, MONDO:0021056, OMIM 175100. Disease mechanism: loss of function.

Submissions (2):

Ambry Genetics
Classification: Uncertain significance for Hereditary cancer-predisposing syndrome. Last evaluated: 2024-02-28. Review status: criteria provided, single submitter. Criteria: Ambry Variant Classification Scheme 2023. Collection method: clinical testing. Allele origin: germline.
Comment: The p.P2252S variant (also known as c.6754C>T), located in coding exon 15 of the APC gene, results from a C to T substitution at nucleotide position 6754. The proline at codon 2252 is replaced by serine, an amino acid with similar properties. This amino acid position is not well conserved in available vertebrate species. In addition, in silico predictors for this gene do not accurately predict pathogenicity. Based on the available evidence, the clinical significance of this alteration remains unclear.

Labcorp Genetics (formerly Invitae), Labcorp
Classification: Uncertain significance for Familial adenomatous polyposis 1. Last evaluated: 2023-01-28. Review status: criteria provided, single submitter. Criteria: Invitae Variant Classification Sherloc (09022015). Collection method: clinical testing. Allele origin: germline.
Comment: This variant has not been reported in the literature in individuals affected with APC-related conditions. In summary, the available evidence is currently insufficient to determine the role of this variant in disease. Therefore, it has been classified as a Variant of Uncertain Significance. Advanced modeling of protein sequence and biophysical properties (such as structural, functional, and spatial information, amino acid conservation, physicochemical variation, residue mobility, and thermodynamic stability) performed at Invitae indicates that this missense variant is not expected to disrupt APC protein function. ClinVar contains an entry for this variant (Variation ID: 826601). This variant is not present in population databases (gnomAD no frequency). This sequence change replaces proline, which is neutral and non-polar, with serine, which is neutral and polar, at codon 2252 of the APC protein (p.Pro2252Ser).